The following is an entry in ClinVar:

ClinVar aggregate classification (germline): Pathogenic. Review status: criteria provided, single submitter (1 of 4 stars). 2 submissions from 2 submitters: Pathogenic (1). 1 of the submissions does not count toward it. Last evaluated 2020-02-04.

Conditions:
Spermatogenic failure 48. Identifiers: MedGen C5436823, MONDO:0030846, OMIM 619108.
Spermatogenesis maturation arrest. Identifiers: MedGen C4477100, HP:0031038.

Submissions (2):

Institute of Reproductive and Stem Cell Engineering, Central South University
Classification: Pathogenic for Spermatogenesis maturation arrest. Last evaluated: 2020-02-04. Review status: criteria provided, single submitter. Criteria: Tu et al. (Clin Genet. 2020). Collection method: research. Allele origin: germline. Inheritance: Autosomal recessive inheritance. Affected: yes. Observed: 1 variant allele, 1 homozygote.
Comment: The splice variant led to a lack of M1AP protein in the patient's spermatozoa. Ultrastructural and immunostaining analyses of patient's spermatozoa showed highly aberrant swollen mitochondrial sheaths with normal axonemal structures. Subsequent mutation screening identified three additional heterozygous M1AP variants in 4/243 subjects with idiopathic SO, but no M1AP variants among 223 fertile subjects.

OMIM
Classification: Pathogenic for SPERMATOGENIC FAILURE 48. Last evaluated: 2020-11-20. Review status: no assertion criteria provided. Collection method: literature only. Allele origin: germline. Not counted in ClinVar's aggregate classification.

Literature cited by the submitters: PubMed 32017041 (cited by OMIM).

NM_001321739.2(M1AP):c.1435-1G>A

Gene: M1AP (meiosis 1 associated protein; minus strand). Cytogenetic location: 2p13.1.
Variant type: single nucleotide variant.
Coding change: c.1435-1G>A on transcript NM_001321739.2 (MANE Select); the canonical splice acceptor site of the intron before coding-DNA position 1435, G replaced by A.
Molecular consequence: splice acceptor variant.
Genome position (GRCh38, 1-based): chr2:74,558,875, C>T on the plus strand (G>A on the coding strand, the complement: M1AP is on the minus strand). VCF-style: chr2-74558875-C-T. GRCh37 (hg19) VCF-style: chr2-74786002-C-T.
Other names: M1AP, IVS, G-A, -1; IVS, G-A, -1; c.1423-1G>A (NM_001281296.2); c.1435-1G>A (NM_138804.5).
Identifiers: ClinVar variation 870128 (VCV000870128.4), dbSNP rs1677697539, ClinGen allele CA347408710.